The following is an entry in ClinVar:

NM_006734.4(HIVEP2):c.4293C>T (p.Ser1431=)

Gene: HIVEP2 (HIVEP zinc finger 2; minus strand). Cytogenetic location: 6q24.2.
Variant type: single nucleotide variant.
Coding change: c.4293C>T on transcript NM_006734.4 (MANE Select); coding-DNA position 4293, C replaced by T.
Protein change: p.Ser1431=; no amino-acid change (serine 1431 retained).
Molecular consequence: synonymous variant.
Genome position (GRCh38, 1-based): chr6:142,770,446, G>A on the plus strand (C>T on the coding strand, the complement: HIVEP2 is on the minus strand). VCF-style: chr6-142770446-G-A. GRCh37 (hg19) VCF-style: chr6-143091583-G-A.
Identifiers: ClinVar variation 710995 (VCV000710995.19), dbSNP rs34191067, ClinGen allele CA4028094.
Genomic context (GRCh38, chr6:142,770,446, plus strand): 5'-GAAGAGCTCCAAGCTACTGGCTGGAGAAAGCATTCGCTTGCTACCTCCCAGGGTGGCCAC[G>A]CTGTCAGAGGTGGAAGGTAAACACAAGGGGATGGAGGATTCTAAGCCGAGGGGCAAAGTC-3'
Protein context (NP_006725.3, residues 1421-1441): IPLCLPSTSD[Ser1431=]VATLGGSKRM

ClinVar aggregate classification (germline): Benign/Likely benign. Review status: criteria provided, multiple submitters, no conflicts (2 of 4 stars). 4 submissions from 4 submitters: Benign (1); Likely benign (3). Last evaluated 2026-05-01.

Conditions:
Intellectual developmental disorder, autosomal dominant 43. Also called: Intellectual disability, autosomal dominant 43. Identifiers: MedGen C4707429, MONDO:0014858, OMIM 616977.

Allele frequency attached by ClinVar (database versions not stated): ESP Exome Variant Server 0.00334; 1000 Genomes Project 30x 0.00344; gnomAD 0.00353 and 0.00327; ExAC 0.00086; TOPMed 0.00388; gnomAD exomes 0.00073; 1000 Genomes Project 0.00359.
gnomAD v4.1: 929 of 1,614,136 alleles (0.058%); highest among the groups gnomAD compares: African/African-American, 1.1%; 8 homozygotes.

Submissions (4):

CeGaT Center for Human Genetics Tuebingen
Classification: Likely benign. Last evaluated: 2026-05-01. Review status: criteria provided, single submitter. Criteria: CeGaT Center For Human Genetics Tuebingen Variant Classification Criteria Version 2. Collection method: clinical testing. Allele origin: germline. Affected: yes. Observed: 3 variant alleles.
Comment: HIVEP2: BP4, BP7, BS1

Labcorp Genetics (formerly Invitae), Labcorp
Classification: Benign. Last evaluated: 2026-02-01. Review status: criteria provided, single submitter. Criteria: Invitae Variant Classification Sherloc (09022015). Collection method: clinical testing. Allele origin: germline.

Blueprint Genetics
Classification: Likely benign. Last evaluated: 2024-10-17. Review status: criteria provided, single submitter. Criteria: ACMG Guidelines, 2015. Collection method: clinical testing. Allele origin: germline.

Fulgent Genetics
Classification: Likely benign for Intellectual developmental disorder, autosomal dominant 43. Last evaluated: 2022-05-17. Review status: criteria provided, single submitter. Criteria: ACMG Guidelines, 2015. Collection method: clinical testing. Allele origin: unknown.